The following is an entry in ClinVar:

ClinVar aggregate classification (germline): Uncertain significance (1 of 4 stars; one submission).

Conditions:
Primary ciliary dyskinesia. Also called: Ciliary dyskinesia. Identifiers: Orphanet 244, MedGen C0008780, MONDO:0016575, HP:0012265.

Submission:

Labcorp Genetics (formerly Invitae), Labcorp
Classification: Uncertain significance for Primary ciliary dyskinesia. Last evaluated: 2022-06-13. Review status: criteria provided, single submitter. Criteria: Invitae Variant Classification Sherloc (09022015). Collection method: clinical testing. Allele origin: germline.
Comment: This sequence change replaces valine, which is neutral and non-polar, with leucine, which is neutral and non-polar, at codon 570 of the DNAAF5 protein (p.Val570Leu). This variant is not present in population databases (gnomAD no frequency). In summary, the available evidence is currently insufficient to determine the role of this variant in disease. Therefore, it has been classified as a Variant of Uncertain Significance. Algorithms developed to predict the effect of missense changes on protein structure and function output the following: SIFT: "Tolerated"; PolyPhen-2: "Benign"; Align-GVGD: "Class C0". The leucine amino acid residue is found in multiple mammalian species, which suggests that this missense change does not adversely affect protein function. This variant has not been reported in the literature in individuals affected with DNAAF5-related conditions.

NM_017802.4(DNAAF5):c.1708G>C (p.Val570Leu)

Gene: DNAAF5 (dynein axonemal assembly factor 5; plus strand). Cytogenetic location: 7p22.3.
Variant type: single nucleotide variant.
Coding change: c.1708G>C on transcript NM_017802.4 (MANE Select); coding-DNA position 1708, G replaced by C.
Protein change: p.Val570Leu; replaces valine 570 with leucine.
Molecular consequence: missense variant. On other transcripts: non-coding transcript variant (1).
Genome position (GRCh38, 1-based): chr7:763,899, G>C. VCF-style: chr7-763899-G-C. GRCh37 (hg19) VCF-style: chr7-803536-G-C.
Other names: short protein forms V570L.
Identifiers: ClinVar variation 2005455 (VCV002005455.4), dbSNP rs909255404, ClinGen allele CA366540141.